The following is an entry in ClinVar:

ClinVar aggregate classification (germline): Uncertain significance (1 of 4 stars; one submission).

Submission:

Labcorp Genetics (formerly Invitae), Labcorp
Classification: Uncertain significance. Last evaluated: 2021-01-07. Review status: criteria provided, single submitter. Criteria: Invitae Variant Classification Sherloc (09022015). Collection method: clinical testing. Allele origin: germline.
Comment: In summary, the available evidence is currently insufficient to determine the role of this variant in disease. Therefore, it has been classified as a Variant of Uncertain Significance. Algorithms developed to predict the effect of missense changes on protein structure and function are either unavailable or do not agree on the potential impact of this missense change (SIFT: "Tolerated"; PolyPhen-2: "Possibly Damaging"; Align-GVGD: "Class C0"). This variant has not been reported in the literature in individuals with FAM20C-related conditions. The frequency data for this variant in the population databases is considered unreliable, as metrics indicate insufficient coverage at this position in the ExAC database. This sequence change replaces arginine with serine at codon 191 of the FAM20C protein (p.Arg191Ser). The arginine residue is weakly conserved and there is a moderate physicochemical difference between arginine and serine.

NM_020223.4(FAM20C):c.573G>C (p.Arg191Ser)

Gene: FAM20C (FAM20C golgi associated secretory pathway kinase; plus strand). Cytogenetic location: 7p22.3.
Variant type: single nucleotide variant.
Coding change: c.573G>C on transcript NM_020223.4 (MANE Select); coding-DNA position 573, G replaced by C.
Protein change: p.Arg191Ser; replaces arginine 191 with serine.
Molecular consequence: missense variant.
Genome position (GRCh38, 1-based): chr7:193,772, G>C. VCF-style: chr7-193772-G-C. GRCh37 (hg19) VCF-style: chr7-193772-G-C.
Other names: short protein forms R191S.
Identifiers: ClinVar variation 1504225 (VCV001504225.8), dbSNP rs1420601560, ClinGen allele CA366524516.